The following is an entry in ClinVar:

ClinVar aggregate classification (germline): Pathogenic (1 of 4 stars; one submission).

Conditions:
Bardet-Biedl syndrome (BBS). Identifiers: Orphanet 110, MedGen C0752166, MONDO:0015229.

Submission:

Labcorp Genetics (formerly Invitae), Labcorp
Classification: Pathogenic for Bardet-Biedl syndrome. Last evaluated: 2024-10-02. Review status: criteria provided, single submitter. Criteria: Invitae Variant Classification Sherloc (09022015). Collection method: clinical testing. Allele origin: germline.
Comment: This sequence change creates a premature translational stop signal (p.Pro468Leufs*20) in the BBS10 gene. While this is not anticipated to result in nonsense mediated decay, it is expected to disrupt the last 256 amino acid(s) of the BBS10 protein. This variant is not present in population databases (gnomAD no frequency). This variant has not been reported in the literature in individuals affected with BBS10-related conditions. This variant disrupts a region of the BBS10 protein in which other variant(s) (p.Val707*) have been determined to be pathogenic (PMID: 20472660, 22773737, 25982971, 27486776). This suggests that this is a clinically significant region of the protein, and that variants that disrupt it are likely to be disease-causing. For these reasons, this variant has been classified as Pathogenic.

Literature cited by the submitters: PubMed 20472660; PubMed 22773737; PubMed 25982971; PubMed 27486776.

NM_024685.4(BBS10):c.1403del (p.Pro468fs)

Gene: BBS10 (Bardet-Biedl syndrome 10; minus strand). Cytogenetic location: 12q21.2.
Variant type: Deletion.
Coding change: c.1403del on transcript NM_024685.4 (MANE Select); coding-DNA position 1403, one base deleted (C; older notation c.1403delC).
Protein change: p.Pro468fs; shifts the reading frame from proline 468.
Molecular consequence: frameshift variant.
Genome position (GRCh38, 1-based): chr12:76,346,582, G deleted on the plus strand (C on the coding strand, the reverse complement: BBS10 is on the minus strand); the first of 2 consecutive G bases (chr12:76,346,582-76,346,583); deleting either gives the same sequence. VCF-style (leftmost placement, unchanged base first): chr12-76346581-AG-A. GRCh37 (hg19) VCF-style: chr12-76740361-AG-A.
Other names: short protein forms P468fs.
Identifiers: ClinVar variation 3684979 (VCV003684979.2).